The following is an entry in ClinVar:

NM_080473.5(GATA5):c.529G>A (p.Asp177Asn)

Gene: GATA5 (GATA binding protein 5; minus strand). Cytogenetic location: 20q13.33.
Variant type: single nucleotide variant.
Coding change: c.529G>A on transcript NM_080473.5 (MANE Select); coding-DNA position 529, G replaced by A.
Protein change: p.Asp177Asn; replaces aspartic acid 177 with asparagine.
Molecular consequence: missense variant.
Genome position (GRCh38, 1-based): chr20:62,473,573, C>T on the plus strand (G>A on the coding strand, the complement: GATA5 is on the minus strand). VCF-style: chr20-62473573-C-T. GRCh37 (hg19) VCF-style: chr20-61048629-C-T.
Other names: short protein forms D177N.
Identifiers: ClinVar variation 1411660 (VCV001411660.6), dbSNP rs1169825825, ClinGen allele CA409555544.

ClinVar aggregate classification (germline): Uncertain significance (1 of 4 stars; one submission).

Allele frequency attached by ClinVar (database versions not stated): gnomAD exomes 0.00001.

Submission:

Labcorp Genetics (formerly Invitae), Labcorp
Classification: Uncertain significance. Last evaluated: 2021-09-15. Review status: criteria provided, single submitter. Criteria: Invitae Variant Classification Sherloc (09022015). Collection method: clinical testing. Allele origin: germline.
Comment: In summary, the available evidence is currently insufficient to determine the role of this variant in disease. Therefore, it has been classified as a Variant of Uncertain Significance. Algorithms developed to predict the effect of missense changes on protein structure and function are either unavailable or do not agree on the potential impact of this missense change (SIFT: "Tolerated"; PolyPhen-2: "Possibly Damaging"; Align-GVGD: "Class C0"). This variant has not been reported in the literature in individuals affected with GATA5-related conditions. This variant is not present in population databases (ExAC no frequency). This sequence change replaces aspartic acid with asparagine at codon 177 of the GATA5 protein (p.Asp177Asn). The aspartic acid residue is moderately conserved and there is a small physicochemical difference between aspartic acid and asparagine.